The following is an entry in ClinVar:

NM_031844.3(HNRNPU):c.55G>C (p.Glu19Gln)

Gene: HNRNPU (heterogeneous nuclear ribonucleoprotein U; minus strand). Cytogenetic location: 1q44.
Variant type: single nucleotide variant.
Coding change: c.55G>C on transcript NM_031844.3 (MANE Select); coding-DNA position 55, G replaced by C.
Protein change: p.Glu19Gln; replaces glutamic acid 19 with glutamine.
Molecular consequence: missense variant.
Genome position (GRCh38, 1-based): chr1:244,864,253, C>G on the plus strand (G>C on the coding strand, the complement: HNRNPU is on the minus strand). VCF-style: chr1-244864253-C-G. GRCh37 (hg19) VCF-style: chr1-245027555-C-G.
Other names: c.55G>C, p.Glu19Gln (NM_004501.3); short protein forms E19Q.
Identifiers: ClinVar variation 2089107 (VCV002089107.4), dbSNP rs1232667140, ClinGen allele CA345498430.

ClinVar aggregate classification (germline): Uncertain significance (1 of 4 stars; one submission).

Conditions:
Developmental and epileptic encephalopathy, 54. Also called: Epileptic encephalopathy, early infantile, 54; HNRNPU-Related Neurodevelopmental Disorder. Identifiers: MedGen C4479319, MONDO:0033363, OMIM 617391.

Allele frequency attached by ClinVar (database versions not stated): TOPMed 0.00002.

Submission:

Labcorp Genetics (formerly Invitae), Labcorp
Classification: Uncertain significance for Developmental and epileptic encephalopathy, 54. Last evaluated: 2022-03-18. Review status: criteria provided, single submitter. Criteria: Invitae Variant Classification Sherloc (09022015). Collection method: clinical testing. Allele origin: germline.
Comment: This sequence change replaces glutamic acid, which is acidic and polar, with glutamine, which is neutral and polar, at codon 19 of the HNRNPU protein (p.Glu19Gln). This variant is not present in population databases (gnomAD no frequency). This variant has not been reported in the literature in individuals affected with HNRNPU-related conditions. Algorithms developed to predict the effect of missense changes on protein structure and function are either unavailable or do not agree on the potential impact of this missense change (SIFT: "Deleterious"; PolyPhen-2: "Probably Damaging"; Align-GVGD: "Class C0"). In summary, the available evidence is currently insufficient to determine the role of this variant in disease. Therefore, it has been classified as a Variant of Uncertain Significance.